The following is an entry in ClinVar:

ClinVar aggregate classification (germline): Pathogenic (1 of 4 stars; one submission).

Conditions:
Galactosylceramide beta-galactosidase deficiency. Also called: Leukodystrophy, Globoid Cell; GALACTOCEREBROSIDASE DEFICIENCY; GALC DEFICIENCY; GLOBOID CELL LEUKOENCEPHALOPATHY; Krabbe Disease. Identifiers: Orphanet 487, MedGen C0023521, MONDO:0009499, OMIM 245200.

Submission:

3billion
Classification: Pathogenic for Galactosylceramide beta-galactosidase deficiency. Last evaluated: 2026-01-28. Review status: criteria provided, single submitter. Criteria: ACMG Guidelines, 2015. Collection method: clinical testing. Allele origin: germline. Affected: yes.
Comment: The variant is not observed in the gnomAD v4.1.0 dataset. Predicted Consequence/Location: Canonical splice site: predicted to alter splicing and result in a loss or disruption of normal protein function. Multiple pathogenic loss-of-function variants are reported downstream of the variant. In silico tools predict the variant to alter splicing and produce an abnormal transcript [SpliceAI: 0.94 (spliceogenicity >=0.2, non-spliceogenicity <0.1)]. Therefore, this variant is classified as Pathogenic according to the recommendation of ACMG/AMP guideline.

NM_000153.4(GALC):c.1670+2T>G

Gene: GALC (galactosylceramidase; minus strand). Cytogenetic location: 14q31.3.
Variant type: single nucleotide variant.
Coding change: c.1670+2T>G on transcript NM_000153.4 (MANE Select); the canonical splice donor site of the intron after coding-DNA position 1670, T replaced by G.
Molecular consequence: splice donor variant.
Genome position (GRCh38, 1-based): chr14:87,945,551, A>C on the plus strand (T>G on the coding strand, the complement: GALC is on the minus strand). VCF-style: chr14-87945551-A-C. GRCh37 (hg19) VCF-style: chr14-88411895-A-C.
Other names: c.1037+2T>G (NM_001424076.1, NM_001424077.1); c.1592+2T>G (NM_001201402.2); c.1601+2T>G (NM_001201401.2); c.1322+2T>G (NM_001424075.1, NM_001424074.1); c.1502+2T>G (NM_001424072.1, NM_001424073.1, NM_001424071.1).
Identifiers: ClinVar variation 4855581 (VCV004855581.1).